The following is an entry in ClinVar:

ClinVar aggregate classification (germline): Uncertain significance (1 of 4 stars; one submission).

Submission:

GeneDx
Classification: Uncertain significance. Last evaluated: 2023-12-07. Review status: criteria provided, single submitter. Criteria: GeneDx Variant Classification Process June 2021. Collection method: clinical testing. Allele origin: germline. Affected: yes.
Comment: Not observed at significant frequency in large population cohorts (gnomAD); In silico analysis supports that this missense variant does not alter protein structure/function; Has not been previously published as pathogenic or benign to our knowledge

NM_001080517.3(SETD5):c.2188A>G (p.Thr730Ala)

Gene: SETD5 (SET domain containing 5; plus strand). Cytogenetic location: 3p25.3.
Variant type: single nucleotide variant.
Coding change: c.2188A>G on transcript NM_001080517.3 (MANE Select); coding-DNA position 2188, A replaced by G.
Protein change: p.Thr730Ala; replaces threonine 730 with alanine.
Molecular consequence: missense variant.
Genome position (GRCh38, 1-based): chr3:9,448,472, A>G. VCF-style: chr3-9448472-A-G. GRCh37 (hg19) VCF-style: chr3-9490156-A-G.
Other names: c.1894A>G, p.Thr632Ala (NM_001292043.2, NM_001349451.2); short protein forms T632A, T730A.
Identifiers: ClinVar variation 3252150 (VCV003252150.1), dbSNP rs2472999089.